The following is an entry in ClinVar:

NM_006567.5(FARS2):c.730A>C (p.Lys244Gln)

Gene: FARS2 (phenylalanyl-tRNA synthetase 2, mitochondrial; plus strand). Cytogenetic location: 6p25.1.
Variant type: single nucleotide variant.
Coding change: c.730A>C on transcript NM_006567.5 (MANE Select); coding-DNA position 730, A replaced by C.
Protein change: p.Lys244Gln; replaces lysine 244 with glutamine.
Molecular consequence: missense variant.
Genome position (GRCh38, 1-based): chr6:5,404,659, A>C. VCF-style: chr6-5404659-A-C. GRCh37 (hg19) VCF-style: chr6-5404892-A-C.
Other names: c.730A>C, p.Lys244Gln (NM_001318872.2, NM_001374875.1, NM_001374876.1 and 5 more transcripts); c.34A>C, p.Lys12Gln (NM_001375259.1, NM_001375260.1); short protein forms K244Q, K12Q.
Identifiers: ClinVar variation 540538 (VCV000540538.10), dbSNP rs767530718, ClinGen allele CA3623719.
Genomic context (GRCh38, chr6:5,404,659, plus strand): 5'-TCTGCGCATAAACAAGAGACACACACCATGGAGGCCGTGAAGCTTGTAGAGTTTGATCTT[A>C]AGCAAACGCTTACCAGGCTCATGGCACATCTTTTTGGAGATGGTAAGTGCTCAAACACAG-3'
Protein context (NP_006558.1, residues 234-254): EAVKLVEFDL[Lys244Gln]QTLTRLMAHL

ClinVar aggregate classification (germline): Uncertain significance. Review status: criteria provided, multiple submitters, no conflicts (2 of 4 stars). 3 submissions from 3 submitters: Uncertain significance (3). Last evaluated 2026-01-26.

Conditions:
Combined oxidative phosphorylation defect type 14. Also called: Combined oxidative phosphorylation deficiency 14. Identifiers: Orphanet 319519, MedGen C4755312, MONDO:0013986, OMIM 614946.

Allele frequency attached by ClinVar (database versions not stated): ExAC 0.00003; gnomAD 0.00003; gnomAD exomes 0.00003 and 0.00006; TOPMed 0.00005.
gnomAD v4.1: 43 of 1,608,724 alleles (0.0027%); highest among the groups gnomAD compares: Admixed American, 0.039%; no homozygotes.

Submissions (3):

Labcorp Genetics (formerly Invitae), Labcorp
Classification: Uncertain significance for Combined oxidative phosphorylation defect type 14. Last evaluated: 2026-01-26. Review status: criteria provided, single submitter. Criteria: Invitae Variant Classification Sherloc (09022015). Collection method: clinical testing. Allele origin: germline.
Comment: This sequence change replaces lysine, which is basic and polar, with glutamine, which is neutral and polar, at codon 244 of the FARS2 protein (p.Lys244Gln). This variant is present in population databases (rs767530718, gnomAD 0.03%). This variant has not been reported in the literature in individuals affected with FARS2-related conditions. ClinVar contains an entry for this variant (Variation ID: 540538). Invitae Evidence Modeling of protein sequence and biophysical properties (such as structural, functional, and spatial information, amino acid conservation, physicochemical variation, residue mobility, and thermodynamic stability) indicates that this missense variant is not expected to disrupt FARS2 protein function with a negative predictive value of 80%. In summary, the available evidence is currently insufficient to determine the role of this variant in disease. Therefore, it has been classified as a Variant of Uncertain Significance.

GeneDx
Classification: Uncertain significance. Last evaluated: 2024-10-30. Review status: criteria provided, single submitter. Criteria: GeneDx Variant Classification Process June 2021. Collection method: clinical testing. Allele origin: germline. Affected: yes.
Comment: In silico analysis supports that this missense variant has a deleterious effect on protein structure/function; Has not been previously published as pathogenic or benign to our knowledge

Blueprint Genetics
Classification: Uncertain significance. Last evaluated: 2024-06-25. Review status: criteria provided, single submitter. Criteria: ACMG Guidelines, 2015. Collection method: clinical testing. Allele origin: germline.